The following is an entry in ClinVar:

NM_017755.6(NSUN2):c.11G>A (p.Arg4Gln)

Gene: NSUN2 (NOP2/Sun RNA methyltransferase 2; minus strand). Cytogenetic location: 5p15.31.
Variant type: single nucleotide variant.
Coding change: c.11G>A on transcript NM_017755.6 (MANE Select); coding-DNA position 11, G replaced by A.
Protein change: p.Arg4Gln; replaces arginine 4 with glutamine.
Molecular consequence: missense variant. On other transcripts: non-coding transcript variant (1).
Genome position (GRCh38, 1-based): chr5:6,632,969, C>T on the plus strand (G>A on the coding strand, the complement: NSUN2 is on the minus strand). VCF-style: chr5-6632969-C-T. GRCh37 (hg19) VCF-style: chr5-6633082-C-T.
Other names: c.11G>A, p.Arg4Gln (NM_001193455.2); short protein forms R4Q.
Identifiers: ClinVar variation 2002565 (VCV002002565.1), dbSNP rs1423879680, ClinGen allele CA359130968.

ClinVar aggregate classification (germline): Uncertain significance (1 of 4 stars; one submission).

Allele frequency attached by ClinVar (database versions not stated): gnomAD exomes below 0.00001.
gnomAD v4.1: 1 of 1,487,078 alleles (0.000067%); highest among the groups gnomAD compares: Admixed American, 0.0023%; no homozygotes.

Submission:

Labcorp Genetics (formerly Invitae), Labcorp
Classification: Uncertain significance. Last evaluated: 2022-03-17. Review status: criteria provided, single submitter. Criteria: Invitae Variant Classification Sherloc (09022015). Collection method: clinical testing. Allele origin: germline.
Comment: This sequence change replaces arginine, which is basic and polar, with glutamine, which is neutral and polar, at codon 4 of the NSUN2 protein (p.Arg4Gln). The frequency data for this variant in the population databases is considered unreliable, as metrics indicate poor data quality at this position in the gnomAD database. This variant has not been reported in the literature in individuals affected with NSUN2-related conditions. Algorithms developed to predict the effect of missense changes on protein structure and function are either unavailable or do not agree on the potential impact of this missense change (SIFT: "Tolerated"; PolyPhen-2: "Not Available"; Align-GVGD: "Class C0"). In summary, the available evidence is currently insufficient to determine the role of this variant in disease. Therefore, it has been classified as a Variant of Uncertain Significance.